The following is an entry in ClinVar:

NM_002098.6(GUCA1B):c.10_12del (p.Glu4del)

Gene: GUCA1B (guanylate cyclase activator 1B; minus strand). Cytogenetic location: 6p21.1.
Variant type: Deletion.
Coding change: c.10_12del on transcript NM_002098.6 (MANE Select); coding-DNA positions 10 to 12, 3 bases deleted (GAG; older notation c.10_12delGAG).
Protein change: p.Glu4del; deletes glutamic acid 4.
Molecular consequence: inframe deletion.
Genome position (GRCh38, 1-based): chr6:42,194,809-42,194,811, CTC deleted on the plus strand (GAG on the coding strand, the reverse complement: GUCA1B is on the minus strand); deleting any 3 consecutive bases within chr6:42,194,809-42,194,813 gives the same sequence; the c. name uses the placement nearest the transcript's 3' end. VCF-style (leftmost placement, unchanged base first): chr6-42194808-ACTC-A. GRCh37 (hg19) VCF-style: chr6-42162546-ACTC-A.
Other names: short protein forms E4del.
Identifiers: ClinVar variation 2759237 (VCV002759237.3), dbSNP rs1372928351, ClinGen allele CA567149216.

ClinVar aggregate classification (germline): Uncertain significance (1 of 4 stars; one submission).

Submission:

Labcorp Genetics (formerly Invitae), Labcorp
Classification: Uncertain significance. Last evaluated: 2023-09-13. Review status: criteria provided, single submitter. Criteria: Invitae Variant Classification Sherloc (09022015). Collection method: clinical testing. Allele origin: germline.
Comment: In summary, the available evidence is currently insufficient to determine the role of this variant in disease. Therefore, it has been classified as a Variant of Uncertain Significance. Experimental studies and prediction algorithms are not available or were not evaluated, and the functional significance of this variant is currently unknown. This variant has not been reported in the literature in individuals affected with GUCA1B-related conditions. This variant is present in population databases (no rsID available, gnomAD 0.009%). This variant, c.10_12del, results in the deletion of 1 amino acid(s) of the GUCA1B protein (p.Glu4del), but otherwise preserves the integrity of the reading frame.